The following is an entry in ClinVar:

ClinVar aggregate classification (germline): Uncertain significance (1 of 4 stars; one submission).

Conditions:
Renal cell carcinoma. Identifiers: Orphanet 217071, MedGen C0007134, MeSH D002292, MONDO:0005086, HP:0005584.

Submission:

Labcorp Genetics (formerly Invitae), Labcorp
Classification: Uncertain significance for Renal cell carcinoma. Last evaluated: 2023-10-18. Review status: criteria provided, single submitter. Criteria: Invitae Variant Classification Sherloc (09022015). Collection method: clinical testing. Allele origin: germline.
Comment: This sequence change replaces serine, which is neutral and polar, with cysteine, which is neutral and slightly polar, at codon 553 of the MET protein (p.Ser553Cys). This variant is not present in population databases (gnomAD no frequency). This variant has not been reported in the literature in individuals affected with MET-related conditions. Advanced modeling of protein sequence and biophysical properties (such as structural, functional, and spatial information, amino acid conservation, physicochemical variation, residue mobility, and thermodynamic stability) performed at Invitae indicates that this missense variant is not expected to disrupt MET protein function. In summary, the available evidence is currently insufficient to determine the role of this variant in disease. Therefore, it has been classified as a Variant of Uncertain Significance.

NM_000245.4(MET):c.1657A>T (p.Ser553Cys)

Gene: MET (MET proto-oncogene, receptor tyrosine kinase; plus strand). Cytogenetic location: 7q31.2.
Variant type: single nucleotide variant.
Coding change: c.1657A>T on transcript NM_000245.4 (MANE Select); coding-DNA position 1657, A replaced by T.
Protein change: p.Ser553Cys; replaces serine 553 with cysteine.
Molecular consequence: missense variant.
Genome position (GRCh38, 1-based): chr7:116,740,981, A>T. VCF-style: chr7-116740981-A-T. GRCh37 (hg19) VCF-style: chr7-116381035-A-T.
Other names: c.1657A>T, p.Ser553Cys (NM_001127500.3, NM_001324401.3); c.367A>T, p.Ser123Cys (NM_001324402.2); short protein forms S123C, S553C.
Identifiers: ClinVar variation 2769720 (VCV002769720.3), dbSNP rs2116837091, ClinGen allele CA368975711.